The following is an entry in ClinVar:

ClinVar aggregate classification (germline): Uncertain significance. Review status: criteria provided, multiple submitters, no conflicts (2 of 4 stars). 2 submissions from 2 submitters: Uncertain significance (2). Last evaluated 2023-05-15.

Submissions (2):

Labcorp Genetics (formerly Invitae), Labcorp
Classification: Uncertain significance. Last evaluated: 2023-05-15. Review status: criteria provided, single submitter. Criteria: Invitae Variant Classification Sherloc (09022015). Collection method: clinical testing. Allele origin: germline.
Comment: Advanced modeling of protein sequence and biophysical properties (such as structural, functional, and spatial information, amino acid conservation, physicochemical variation, residue mobility, and thermodynamic stability) performed at Invitae indicates that this missense variant is not expected to disrupt ZSWIM6 protein function. In summary, the available evidence is currently insufficient to determine the role of this variant in disease. Therefore, it has been classified as a Variant of Uncertain Significance. This variant is not present in population databases (gnomAD no frequency). This variant has not been reported in the literature in individuals affected with ZSWIM6-related conditions. This sequence change replaces proline, which is neutral and non-polar, with threonine, which is neutral and polar, at codon 810 of the ZSWIM6 protein (p.Pro810Thr).

GeneDx
Classification: Uncertain significance. Last evaluated: 2023-02-23. Review status: criteria provided, single submitter. Criteria: GeneDx Variant Classification Process June 2021. Collection method: clinical testing. Allele origin: germline. Affected: yes.
Comment: Not observed at significant frequency in large population cohorts (gnomAD); In silico analysis supports that this missense variant has a deleterious effect on protein structure/function; Has not been previously published as pathogenic or benign to our knowledge

NM_020928.2(ZSWIM6):c.2428C>A (p.Pro810Thr)

Gene: ZSWIM6 (zinc finger SWIM-type containing 6; plus strand). Cytogenetic location: 5q12.1.
Variant type: single nucleotide variant.
Coding change: c.2428C>A on transcript NM_020928.2 (MANE Select); coding-DNA position 2428, C replaced by A.
Protein change: p.Pro810Thr; replaces proline 810 with threonine.
Molecular consequence: missense variant.
Genome position (GRCh38, 1-based): chr5:61,538,860, C>A. VCF-style: chr5-61538860-C-A. GRCh37 (hg19) VCF-style: chr5-60834687-C-A.
Other names: short protein forms P810T.
Identifiers: ClinVar variation 2577790 (VCV002577790.4), dbSNP rs1749651551, ClinGen allele CA359945320.